The following is an entry in ClinVar:

NM_001330700.2(TOP2B):c.753A>C (p.Lys251Asn)

Gene: TOP2B (DNA topoisomerase II beta; minus strand). Cytogenetic location: 3p24.2.
Variant type: single nucleotide variant.
Coding change: c.753A>C on transcript NM_001330700.2 (MANE Select); coding-DNA position 753, A replaced by C.
Protein change: p.Lys251Asn; replaces lysine 251 with asparagine.
Molecular consequence: missense variant.
Genome position (GRCh38, 1-based): chr3:25,636,035, T>G on the plus strand (A>C on the coding strand, the complement: TOP2B is on the minus strand). VCF-style: chr3-25636035-T-G. GRCh37 (hg19) VCF-style: chr3-25677526-T-G.
Other names: c.738A>C, p.Lys246Asn (NM_001068.3); short protein forms K246N, K251N.
Identifiers: ClinVar variation 1463504 (VCV001463504.8), dbSNP rs2125385344, ClinGen allele CA351912083.
Genomic context (GRCh38, chr3:25,636,035, plus strand): 5'-ACACGAACCAGCCAAATCATATGCCCTTCTAGTCATGAGGGCCACAATATCCTTGTCAAG[T>G]TTTTCCATCTTAAATTTGGACAGATCTGGTTGGAATGTTATGCATGTGTAATCTTCACCA-3'
Protein context (NP_001317629.1, residues 241-261): QPDLSKFKME[Lys251Asn]LDKDIVALMT

ClinVar aggregate classification (germline): Uncertain significance (1 of 4 stars; one submission).

Allele frequency attached by ClinVar (database versions not stated): gnomAD exomes below 0.00001.
gnomAD v4.1: 1 of 1,613,436 alleles (0.000062%); highest among the groups gnomAD compares: Non-Finnish European, 0.000085%; no homozygotes.

Submission:

Labcorp Genetics (formerly Invitae), Labcorp
Classification: Uncertain significance. Last evaluated: 2024-02-24. Review status: criteria provided, single submitter. Criteria: Invitae Variant Classification Sherloc (09022015). Collection method: clinical testing. Allele origin: germline.
Comment: This sequence change replaces lysine, which is basic and polar, with asparagine, which is neutral and polar, at codon 246 of the TOP2B protein (p.Lys246Asn). This variant is not present in population databases (gnomAD no frequency). This variant has not been reported in the literature in individuals affected with TOP2B-related conditions. ClinVar contains an entry for this variant (Variation ID: 1463504). An algorithm developed to predict the effect of missense changes on protein structure and function (PolyPhen-2) suggests that this variant is likely to be tolerated. In summary, the available evidence is currently insufficient to determine the role of this variant in disease. Therefore, it has been classified as a Variant of Uncertain Significance.